The following is an entry in ClinVar:

ClinVar aggregate classification (germline): Uncertain significance (1 of 4 stars; one submission).

Conditions:
Cortical dysplasia-focal epilepsy syndrome (PTHSL1). Also called: Pitt-Hopkins-like syndrome 1. Identifiers: Orphanet 163681, Orphanet 221150, MedGen C2750246, MONDO:0012400, OMIM 610042.

gnomAD v4.1: 3 of 1,613,950 alleles (0.00019%); highest among the groups gnomAD compares: Admixed American, 0.005%; no homozygotes.

Submission:

Labcorp Genetics (formerly Invitae), Labcorp
Classification: Uncertain significance for Cortical dysplasia-focal epilepsy syndrome. Last evaluated: 2022-08-17. Review status: criteria provided, single submitter. Criteria: Invitae Variant Classification Sherloc (09022015). Collection method: clinical testing. Allele origin: germline.
Comment: This sequence change replaces arginine, which is basic and polar, with glycine, which is neutral and non-polar, at codon 1088 of the CNTNAP2 protein (p.Arg1088Gly). This variant is present in population databases (rs766777011, gnomAD 0.009%). This variant has not been reported in the literature in individuals affected with CNTNAP2-related conditions. Algorithms developed to predict the effect of missense changes on protein structure and function (SIFT, PolyPhen-2, Align-GVGD) all suggest that this variant is likely to be disruptive. In summary, the available evidence is currently insufficient to determine the role of this variant in disease. Therefore, it has been classified as a Variant of Uncertain Significance.

NM_014141.6(CNTNAP2):c.3262C>G (p.Arg1088Gly)

Gene: CNTNAP2 (contactin associated protein 2; plus strand). Cytogenetic location: 7q36.1.
Variant type: single nucleotide variant.
Coding change: c.3262C>G on transcript NM_014141.6 (MANE Select); coding-DNA position 3262, C replaced by G.
Protein change: p.Arg1088Gly; replaces arginine 1088 with glycine.
Molecular consequence: missense variant.
Genome position (GRCh38, 1-based): chr7:148,229,660, C>G. VCF-style: chr7-148229660-C-G. GRCh37 (hg19) VCF-style: chr7-147926752-C-G.
Other names: short protein forms R1088G.
Identifiers: ClinVar variation 2182612 (VCV002182612.1), dbSNP rs766777011, ClinGen allele CA4546599.